The following is an entry in ClinVar:

NM_172362.3(KCNH1):c.15G>C (p.Gly5=)

Gene: KCNH1 (potassium voltage-gated channel subfamily H member 1; minus strand). Cytogenetic location: 1q32.2.
Variant type: single nucleotide variant.
Coding change: c.15G>C on transcript NM_172362.3 (MANE Select); coding-DNA position 15, G replaced by C.
Protein change: p.Gly5=; no amino-acid change (glycine 5 retained).
Molecular consequence: synonymous variant.
Genome position (GRCh38, 1-based): chr1:211,133,931, C>G on the plus strand (G>C on the coding strand, the complement: KCNH1 is on the minus strand). VCF-style: chr1-211133931-C-G. GRCh37 (hg19) VCF-style: chr1-211307273-C-G.
Other names: c.15G>C, p.Gly5= (NM_002238.4).
Identifiers: ClinVar variation 1460684 (VCV001460684.10), dbSNP rs367898312, ClinGen allele CA1380142.

ClinVar aggregate classification (germline): Likely benign. Review status: criteria provided, multiple submitters, no conflicts (2 of 4 stars). 3 submissions from 3 submitters: Likely benign (3). Last evaluated 2025-05-01.

Allele frequency attached by ClinVar (database versions not stated): ExAC 0.00002; gnomAD exomes 0.00002 and 0.00005; TOPMed 0.00002; ESP Exome Variant Server 0.00008.

Submissions (3):

Labcorp Genetics (formerly Invitae), Labcorp
Classification: Likely benign. Last evaluated: 2025-05-01. Review status: criteria provided, single submitter. Criteria: Invitae Variant Classification Sherloc (09022015). Collection method: clinical testing. Allele origin: germline.

Blueprint Genetics
Classification: Likely benign. Last evaluated: 2023-02-20. Review status: criteria provided, single submitter. Criteria: ACMG Guidelines, 2015. Collection method: clinical testing. Allele origin: germline.

GeneDx
Classification: Likely benign. Last evaluated: 2021-05-26. Review status: criteria provided, single submitter. Criteria: GeneDx Variant Classification Process June 2021. Collection method: clinical testing. Allele origin: germline. Affected: yes.
Comment: See Variant Classification Assertion Criteria.